The following is an entry in ClinVar:

NM_001378454.1(ALMS1):c.1450G>C (p.Gly484Arg)

Gene: ALMS1 (ALMS1 centrosome and basal body associated protein; plus strand). Cytogenetic location: 2p13.1.
Variant type: single nucleotide variant.
Coding change: c.1450G>C on transcript NM_001378454.1 (MANE Select); coding-DNA position 1450, G replaced by C.
Protein change: p.Gly484Arg; replaces glycine 484 with arginine.
Molecular consequence: missense variant.
Genome position (GRCh38, 1-based): chr2:73,447,977, G>C. VCF-style: chr2-73447977-G-C. GRCh37 (hg19) VCF-style: chr2-73675107-G-C.
Other names: c.1453G>C, p.Gly485Arg (NM_015120.4); short protein forms G485R, G484R.
Identifiers: ClinVar variation 1399386 (VCV001399386.5), dbSNP rs1212388844, ClinGen allele CA347264425.

ClinVar aggregate classification (germline): Uncertain significance. Review status: criteria provided, multiple submitters, no conflicts (2 of 4 stars). 3 submissions from 3 submitters: Uncertain significance (3). Last evaluated 2025-05-25.

Conditions:
Cardiovascular phenotype. Identifiers: MedGen CN230736.
Alstrom syndrome (ALMS). Identifiers: Orphanet 64, MedGen C0268425, MONDO:0008763, OMIM 203800.

Allele frequency attached by ClinVar (database versions not stated): TOPMed 0.00001; gnomAD 0.00002; gnomAD exomes 0.00002.
gnomAD v4.1: 35 of 1,612,068 alleles (0.0022%); highest among the groups gnomAD compares: Non-Finnish European, 0.0025%; no homozygotes.

Submissions (3):

Ambry Genetics
Classification: Uncertain significance for Cardiovascular phenotype. Last evaluated: 2025-05-25. Review status: criteria provided, single submitter. Criteria: Ambry Variant Classification Scheme 2023. Collection method: clinical testing. Allele origin: germline.
Comment: The p.G485R variant (also known as c.1453G>C), located in coding exon 8 of the ALMS1 gene, results from a G to C substitution at nucleotide position 1453. The glycine at codon 485 is replaced by arginine, an amino acid with dissimilar properties. This amino acid position is well conserved in available vertebrate species. In addition, the in silico prediction for this alteration is inconclusive. Based on the available evidence, the clinical significance of this variant remains unclear.

GeneDx
Classification: Uncertain significance. Last evaluated: 2024-06-18. Review status: criteria provided, single submitter. Criteria: GeneDx Variant Classification Process June 2021. Collection method: clinical testing. Allele origin: germline. Affected: yes.
Comment: Not observed at significant frequency in large population cohorts (gnomAD); In silico analysis supports that this missense variant has a deleterious effect on protein structure/function; Has not been previously published as pathogenic or benign to our knowledge

Labcorp Genetics (formerly Invitae), Labcorp
Classification: Uncertain significance for Alstrom syndrome. Last evaluated: 2022-09-13. Review status: criteria provided, single submitter. Criteria: Invitae Variant Classification Sherloc (09022015). Collection method: clinical testing. Allele origin: germline.
Comment: This sequence change replaces glycine, which is neutral and non-polar, with arginine, which is basic and polar, at codon 485 of the ALMS1 protein (p.Gly485Arg). This variant is present in population databases (no rsID available, gnomAD 0.007%). This variant has not been reported in the literature in individuals affected with ALMS1-related conditions. ClinVar contains an entry for this variant (Variation ID: 1399386). Experimental studies and prediction algorithms are not available or were not evaluated, and the functional significance of this variant is currently unknown. In summary, the available evidence is currently insufficient to determine the role of this variant in disease. Therefore, it has been classified as a Variant of Uncertain Significance.